The following is an entry in ClinVar:

ClinVar aggregate classification (germline): Benign/Likely benign. Review status: criteria provided, multiple submitters, no conflicts (2 of 4 stars). 3 submissions from 3 submitters: Benign (1); Likely benign (2). Last evaluated 2024-10-14.

Conditions:
Hereditary cancer-predisposing syndrome. Also called: Tumor predisposition; Neoplastic Syndromes, Hereditary; Hereditary Cancer Syndrome; Hereditary neoplastic syndrome. Identifiers: Orphanet 140162, MedGen C0027672, MeSH D009386, MONDO:0015356.
Hereditary diffuse gastric adenocarcinoma (HDGC). Also called: DIFFUSE GASTRIC AND LOBULAR BREAST CANCER SYNDROME. Identifiers: Orphanet 26106, MedGen C1708349, MONDO:0007648, OMIM 137215.

Allele frequency attached by ClinVar (database versions not stated): gnomAD exomes below 0.00001.
gnomAD v4.1: 2 of 1,614,106 alleles (0.00012%); highest among the groups gnomAD compares: Non-Finnish European, 0.00017%; no homozygotes.

Submissions (3):

Myriad Genetics, Inc.
Classification: Benign for Hereditary diffuse gastric adenocarcinoma. Last evaluated: 2024-10-14. Review status: criteria provided, single submitter. Criteria: Myriad Autosomal Dominant, Autosomal Recessive and X-Linked Classification Criteria (2023). Collection method: clinical testing. Allele origin: unknown.
Comment: This variant is considered benign. This variant is a silent/synonymous amino acid change and it is not expected to impact splicing.

Labcorp Genetics (formerly Invitae), Labcorp
Classification: Likely benign. Last evaluated: 2024-01-28. Review status: criteria provided, single submitter. Criteria: Invitae Variant Classification Sherloc (09022015). Collection method: clinical testing. Allele origin: germline.

Ambry Genetics
Classification: Likely benign for Hereditary cancer-predisposing syndrome. Last evaluated: 2022-08-09. Review status: criteria provided, single submitter. Criteria: Ambry Variant Classification Scheme 2023. Collection method: clinical testing. Allele origin: germline.

NM_001903.5(CTNNA1):c.1809C>T (p.Ala603=)

Gene: CTNNA1 (catenin alpha 1; plus strand). Cytogenetic location: 5q31.2.
Variant type: single nucleotide variant.
Coding change: c.1809C>T on transcript NM_001903.5 (MANE Select); coding-DNA position 1809, C replaced by T.
Protein change: p.Ala603=; no amino-acid change (alanine 603 retained).
Molecular consequence: synonymous variant.
Genome position (GRCh38, 1-based): chr5:138,925,317, C>T. VCF-style: chr5-138925317-C-T. GRCh37 (hg19) VCF-style: chr5-138261006-C-T.
Other names: c.1809C>T, p.Ala603= (NM_001290307.3, NM_001323982.2, NM_001323983.1 and 2 more transcripts); c.1500C>T, p.Ala500= (NM_001290309.3); c.1440C>T, p.Ala480= (NM_001290310.3); c.699C>T, p.Ala233= (NM_001290312.1, NM_001323987.1, NM_001323988.1 and 17 more transcripts); c.1716C>T, p.Ala572= (NM_001323986.2); c.360C>T, p.Ala120= (NM_001324006.1, NM_001324007.1, NM_001324008.1 and 2 more transcripts); c.606C>T, p.Ala202= (NM_001324011.1); c.456C>T, p.Ala152= (NM_001324012.1, NM_001324013.1).
Identifiers: ClinVar variation 1780525 (VCV001780525.6), dbSNP rs2150294951, ClinGen allele CA446597359.